The following is an entry in ClinVar:

NM_001375524.1(TRRAP):c.9482A>G (p.Asn3161Ser)

Gene: TRRAP (transformation/transcription domain associated protein; plus strand). Cytogenetic location: 7q22.1.
Variant type: single nucleotide variant.
Coding change: c.9482A>G on transcript NM_001375524.1 (MANE Select); coding-DNA position 9482, A replaced by G.
Protein change: p.Asn3161Ser; replaces asparagine 3161 with serine.
Molecular consequence: missense variant.
Genome position (GRCh38, 1-based): chr7:98,988,857, A>G. VCF-style: chr7-98988857-A-G. GRCh37 (hg19) VCF-style: chr7-98586480-A-G.
Other names: c.9494A>G, p.Asn3165Ser (NM_001244580.2); c.9407A>G, p.Asn3136Ser (NM_003496.4); short protein forms N3136S, N3161S, N3165S.
Identifiers: ClinVar variation 4766257 (VCV004766257.1).

ClinVar aggregate classification (germline): Uncertain significance (1 of 4 stars; one submission).

gnomAD v4.1: 1 of 1,614,172 alleles (0.000062%); highest among the groups gnomAD compares: Admixed American, 0.0017%; no homozygotes.

Submission:

Labcorp Genetics (formerly Invitae), Labcorp
Classification: Uncertain significance. Last evaluated: 2025-10-02. Review status: criteria provided, single submitter. Criteria: Invitae Variant Classification Sherloc (09022015). Collection method: clinical testing. Allele origin: germline.
Comment: This sequence change replaces asparagine, which is neutral and polar, with serine, which is neutral and polar, at codon 3136 of the TRRAP protein (p.Asn3136Ser). This variant is not present in population databases (gnomAD no frequency). This variant has not been reported in the literature in individuals affected with TRRAP-related conditions. Invitae Evidence Modeling of protein sequence and biophysical properties (such as structural, functional, and spatial information, amino acid conservation, physicochemical variation, residue mobility, and thermodynamic stability) indicates that this missense variant is not expected to disrupt TRRAP protein function with a negative predictive value of 80%. In summary, the available evidence is currently insufficient to determine the role of this variant in disease. Therefore, it has been classified as a Variant of Uncertain Significance.